The following is an entry in ClinVar:

NM_000117.3(EMD):c.600G>A (p.Trp200Ter)

Gene: EMD (emerin; plus strand). Cytogenetic location: Xq28.
Variant type: single nucleotide variant.
Coding change: c.600G>A on transcript NM_000117.3 (MANE Select); coding-DNA position 600, G replaced by A.
Protein change: p.Trp200Ter; replaces tryptophan 200 with a stop codon.
Molecular consequence: nonsense.
Genome position (GRCh38, 1-based): chrX:154,381,032, G>A. VCF-style: chrX-154381032-G-A. GRCh37 (hg19) VCF-style: chrX-153609392-G-A.
Other names: short protein forms W200*.
Identifiers: ClinVar variation 433174 (VCV000433174.11), dbSNP rs1557182661, ClinGen allele CA415258991.
Genomic context (GRCh38, chrX:154,381,032, plus strand): 5'-CTATTATCCTACTTCCTCCTCCACCTCTTTTATGTCCTCCTCATCATCTTCCTCTTCATG[G>A]CTCACCCGCCGTGCCATCCGGCCTGAAAACCGTGCTCCTGGGGCTGGGCTGGGCCAGGAT-3'

ClinVar aggregate classification (germline): Pathogenic/Likely pathogenic. Review status: criteria provided, multiple submitters, no conflicts (2 of 4 stars). 2 submissions from 2 submitters: Pathogenic (1); Likely pathogenic (1). Last evaluated 2023-03-07.

Conditions:
X-linked Emery-Dreifuss muscular dystrophy. Also called: Muscular dystrophy, tardive Emery-Dreifuss type, with contractures. Identifiers: Orphanet 261, Orphanet 98863, MedGen C0751337, MONDO:0010680.

Submissions (2):

Labcorp Genetics (formerly Invitae), Labcorp
Classification: Pathogenic for X-linked Emery-Dreifuss muscular dystrophy. Last evaluated: 2023-03-07. Review status: criteria provided, single submitter. Criteria: Invitae Variant Classification Sherloc (09022015). Collection method: clinical testing. Allele origin: germline.
Comment: This sequence change creates a premature translational stop signal (p.Trp200*) in the EMD gene. While this is not anticipated to result in nonsense mediated decay, it is expected to disrupt the last 55 amino acid(s) of the EMD protein. This variant is not present in population databases (gnomAD no frequency). This premature translational stop signal has been observed in individual(s) with Emery–Dreifuss muscular dystrophy (PMID: 21697856). ClinVar contains an entry for this variant (Variation ID: 433174). This variant disrupts a region of the EMD protein in which other variant(s) (p.Trp226*) have been determined to be pathogenic (PMID: 8589715, 15967842). This suggests that this is a clinically significant region of the protein, and that variants that disrupt it are likely to be disease-causing. For these reasons, this variant has been classified as Pathogenic.

Molecular Diagnostics Lab, Nemours Children's Health, Delaware
Classification: Likely pathogenic. Last evaluated: 2016-07-25. Review status: criteria provided, single submitter. Criteria: ACMG Guidelines, 2015. Collection method: clinical testing. Allele origin: unknown. Affected: yes. Observed: 1 heterozygote.

Literature cited by the submitters: PubMed 21697856 (cited by Labcorp Genetics (formerly Invitae), Labcorp and Molecular Diagnostics Lab, Nemours Children's Health, Delaware); PubMed 8589715 (cited by Labcorp Genetics (formerly Invitae), Labcorp); PubMed 15967842 (cited by Labcorp Genetics (formerly Invitae), Labcorp).